The following is an entry in ClinVar:

ClinVar aggregate classification (germline): Likely pathogenic (1 of 4 stars; one submission).

Conditions:
Houge-Janssens syndrome 3. Also called: NEURODEVELOPMENTAL DISORDER AND LANGUAGE DELAY WITH OR WITHOUT STRUCTURAL BRAIN ABNORMALITIES. Identifiers: MedGen C5193048, MONDO:0032697, OMIM 618354.

gnomAD v4.1: 1 of 1,613,946 alleles (0.000062%); highest among the groups gnomAD compares: Non-Finnish European, 0.000085%; no homozygotes.

Submission:

Greenwood Genetic Center Diagnostic Laboratories, Greenwood Genetic Center
Classification: Likely pathogenic for Houge-Janssens syndrome 3. Last evaluated: 2022-01-06. Review status: criteria provided, single submitter. Criteria: ACMG Guidelines, 2015. Collection method: clinical testing. Allele origin: germline. Affected: yes.
Comment: PS2, PM2, PP2, PP3

NM_002715.4(PPP2CA):c.133G>A (p.Val45Met)

Gene: PPP2CA (protein phosphatase 2 catalytic subunit alpha; minus strand). Cytogenetic location: 5q31.1.
Variant type: single nucleotide variant.
Coding change: c.133G>A on transcript NM_002715.4 (MANE Select); coding-DNA position 133, G replaced by A.
Protein change: p.Val45Met; replaces valine 45 with methionine.
Molecular consequence: missense variant. On other transcripts: 5 prime UTR variant (1), non-coding transcript variant (1).
Genome position (GRCh38, 1-based): chr5:134,206,101, C>T on the plus strand (G>A on the coding strand, the complement: PPP2CA is on the minus strand). VCF-style: chr5-134206101-C-T. GRCh37 (hg19) VCF-style: chr5-133541792-C-T.
Other names: c.-63G>A (NM_001355019.2); short protein forms V45M.
Identifiers: ClinVar variation 1676571 (VCV001676571.3), dbSNP rs1393362032, ClinGen allele CA360994308.